The following is an entry in ClinVar:

NM_001365951.3(KIF1B):c.184-6_184-5del

Gene: KIF1B (kinesin family member 1B; plus strand). Cytogenetic location: 1p36.22.
Variant type: Deletion.
Coding change: c.184-6_184-5del on transcript NM_001365951.3 (MANE Select); 6 bases into the intron before coding-DNA position 184 through 5 bases into the intron before coding-DNA position 184, 2 bases deleted (TT; older notation c.184-6_184-5delTT).
Molecular consequence: intron variant.
Genome position (GRCh38, 1-based): chr1:10,258,487-10,258,488, TT deleted; deleting any 2 consecutive bases within chr1:10,258,486-10,258,488 gives the same sequence; the c. name uses the placement nearest the transcript's 3' end. VCF-style (leftmost placement, unchanged base first): chr1-10258485-CTT-C. GRCh37 (hg19) VCF-style: chr1-10318543-CTT-C.
Other names: c.184-7_184-6delTT (NM_015074.3); c.184-6_184-5delTT (NM_015074.3); c.184-6_184-5del (NM_183416.4, NM_015074.3, NM_001365952.1 and 1 more transcripts).
Identifiers: ClinVar variation 260541 (VCV000260541.35), dbSNP rs138324955, ClinGen allele CA248928.

ClinVar aggregate classification (germline): Benign. Review status: criteria provided, multiple submitters, no conflicts (2 of 4 stars). 8 submissions from 8 submitters: Benign (8). Last evaluated 2026-02-03.

Conditions:
Charcot-Marie-Tooth disease. Also called: Charcot-Marie-Tooth Neuropathy; Charcot-Marie-Tooth Hereditary Neuropathy. Identifiers: Orphanet 166, MedGen C0007959, MONDO:0015626.
Charcot-Marie-Tooth disease type 2. Also called: Charcot-Marie-Tooth type 2. Identifiers: Orphanet 64746, MedGen C0270914, MONDO:0018993.

Submissions (8):

Labcorp Genetics (formerly Invitae), Labcorp
Classification: Benign for Charcot-Marie-Tooth disease type 2. Last evaluated: 2026-02-03. Review status: criteria provided, single submitter. Criteria: Invitae Variant Classification Sherloc (09022015). Collection method: clinical testing. Allele origin: germline.

Dasa
Classification: Benign. Last evaluated: 2025-11-18. Review status: criteria provided, single submitter. Criteria: DASA Assertion Criteria. Collection method: clinical testing. Allele origin: germline.
Comment: NM_001365951.3(KIF1B):c.184-6_184-5del is interpreted as benign based on a combination of available evidence, which may include population frequency, observations in unaffected individuals, intact protein function, lack of segregation with disease, in silico models, amino acid conservation, lack of disease association in case-control studies, and/or inconsistency with the known disease mechanism or impacted region. Based on the available data, this variant is classified as benign.

ARUP Laboratories, Molecular Genetics and Genomics, ARUP Laboratories
Classification: Benign. Last evaluated: 2025-07-28. Review status: criteria provided, single submitter. Criteria: ARUP Molecular Germline Variant Investigation Process 2024. Collection method: clinical testing. Allele origin: germline.

Ambry Genetics
Classification: Benign. Last evaluated: 2020-06-24. Review status: criteria provided, single submitter. Criteria: Ambry Variant Classification Scheme 2023. Collection method: clinical testing. Allele origin: germline.

GeneDx
Classification: Benign. Last evaluated: 2015-03-03. Review status: criteria provided, single submitter. Criteria: GeneDx Variant Classification Process June 2021. Collection method: clinical testing. Allele origin: germline. Affected: yes.

Genomic Diagnostic Laboratory, Division of Genomic Diagnostics, Children's Hospital of Philadelphia
Classification: Benign. Last evaluated: 2015-02-13. Review status: criteria provided, single submitter. Criteria: DGD Variant Analysis Guidelines. Collection method: clinical testing. Allele origin: unknown.

Molecular Genetics Laboratory, London Health Sciences Centre
Classification: Benign for Charcot-Marie-Tooth disease. Review status: criteria provided, single submitter. Criteria: ACMG Guidelines, 2015. Collection method: clinical testing. Allele origin: germline. Affected: yes.

PreventionGenetics, part of Exact Sciences
Classification: Benign. Review status: criteria provided, single submitter. Criteria: ACMG Guidelines, 2015. Collection method: clinical testing. Allele origin: germline.